The following is an entry in ClinVar:

NM_138576.4(BCL11B):c.1697G>C (p.Arg566Pro)

Gene: BCL11B (BCL11 transcription factor B; minus strand). Cytogenetic location: 14q32.2.
Variant type: single nucleotide variant.
Coding change: c.1697G>C on transcript NM_138576.4 (MANE Select); coding-DNA position 1697, G replaced by C.
Protein change: p.Arg566Pro; replaces arginine 566 with proline.
Molecular consequence: missense variant.
Genome position (GRCh38, 1-based): chr14:99,175,139, C>G on the plus strand (G>C on the coding strand, the complement: BCL11B is on the minus strand). VCF-style: chr14-99175139-C-G. GRCh37 (hg19) VCF-style: chr14-99641476-C-G.
Other names: c.1694G>C, p.Arg565Pro (NM_001282237.2); c.1481G>C, p.Arg494Pro (NM_001282238.2); c.1484G>C, p.Arg495Pro (NM_022898.3); short protein forms R494P, R566P, R495P, R565P.
Identifiers: ClinVar variation 1359651 (VCV001359651.9), dbSNP rs2139757273, ClinGen allele CA390934790.

ClinVar aggregate classification (germline): Uncertain significance. Review status: criteria provided, multiple submitters, no conflicts (2 of 4 stars). 2 submissions from 2 submitters: Uncertain significance (2). Last evaluated 2024-03-21.

Allele frequency attached by ClinVar (database versions not stated): gnomAD exomes below 0.00001.
gnomAD v4.1: 1 of 1,596,282 alleles (0.000063%); highest among the groups gnomAD compares: Non-Finnish European, 0.000085%; no homozygotes.

Submissions (2):

Blueprint Genetics
Classification: Uncertain significance. Last evaluated: 2024-03-21. Review status: criteria provided, single submitter. Criteria: ACMG Guidelines, 2015. Collection method: clinical testing. Allele origin: germline.

Labcorp Genetics (formerly Invitae), Labcorp
Classification: Uncertain significance. Last evaluated: 2022-02-10. Review status: criteria provided, single submitter. Criteria: Invitae Variant Classification Sherloc (09022015). Collection method: clinical testing. Allele origin: germline.
Comment: This variant is not present in population databases (gnomAD no frequency). This sequence change replaces arginine, which is basic and polar, with proline, which is neutral and non-polar, at codon 566 of the BCL11B protein (p.Arg566Pro). This variant has not been reported in the literature in individuals affected with BCL11B-related conditions. In summary, the available evidence is currently insufficient to determine the role of this variant in disease. Therefore, it has been classified as a Variant of Uncertain Significance. Algorithms developed to predict the effect of missense changes on protein structure and function are either unavailable or do not agree on the potential impact of this missense change (SIFT: "Deleterious"; PolyPhen-2: "Benign"; Align-GVGD: "Class C0").